The following is an entry in ClinVar:

ClinVar aggregate classification (germline): Uncertain significance (1 of 4 stars; one submission).

Conditions:
Epilepsy, childhood absence, susceptibility to, 1. Also called: Epilepsy, childhood absence 1. Identifiers: Orphanet 64280, MedGen C1838604, MONDO:0020759, OMIM 600131.
Epilepsy, childhood absence, susceptibility to, 5. Identifiers: Orphanet 64280, MedGen C2677087, MONDO:0012843, OMIM 612269.

Submission:

Labcorp Genetics (formerly Invitae), Labcorp
Classification: Uncertain significance for Epilepsy, childhood absence, susceptibility to, 5; Epilepsy, childhood absence, susceptibility to, 1. Last evaluated: 2025-03-20. Review status: criteria provided, single submitter. Criteria: Invitae Variant Classification Sherloc (09022015). Collection method: clinical testing. Allele origin: germline.
Comment: This sequence change replaces arginine, which is basic and polar, with isoleucine, which is neutral and non-polar, at codon 275 of the GABRB3 protein (p.Arg275Ile). This variant is not present in population databases (gnomAD no frequency). This variant has not been reported in the literature in individuals affected with GABRB3-related conditions. Invitae Evidence Modeling of protein sequence and biophysical properties (such as structural, functional, and spatial information, amino acid conservation, physicochemical variation, residue mobility, and thermodynamic stability) indicates that this missense variant is expected to disrupt GABRB3 protein function with a positive predictive value of 95%. In summary, the available evidence is currently insufficient to determine the role of this variant in disease. Therefore, it has been classified as a Variant of Uncertain Significance.

NM_000814.6(GABRB3):c.824G>T (p.Arg275Ile)

Gene: GABRB3 (gamma-aminobutyric acid type A receptor subunit beta3; minus strand). Cytogenetic location: 15q12.
Variant type: single nucleotide variant.
Coding change: c.824G>T on transcript NM_000814.6 (MANE Select); coding-DNA position 824, G replaced by T.
Protein change: p.Arg275Ile; replaces arginine 275 with isoleucine.
Molecular consequence: missense variant.
Genome position (GRCh38, 1-based): chr15:26,567,592, C>A on the plus strand (G>T on the coding strand, the complement: GABRB3 is on the minus strand). VCF-style: chr15-26567592-C-A. GRCh37 (hg19) VCF-style: chr15-26812739-C-A.
Other names: c.569G>T, p.Arg190Ile (NM_001191320.2, NM_001278631.2); c.611G>T, p.Arg204Ile (NM_001191321.3); c.824G>T, p.Arg275Ile (NM_021912.5); short protein forms R204I, R275I, R190I.
Identifiers: ClinVar variation 4789619 (VCV004789619.1).